The following is an entry in ClinVar:

NM_000548.5(TSC2):c.4570-5C>T

Gene: TSC2 (TSC complex subunit 2; plus strand). Cytogenetic location: 16p13.3.
Variant type: single nucleotide variant.
Coding change: c.4570-5C>T on transcript NM_000548.5 (MANE Select); 5 bases into the intron before coding-DNA position 4570, C replaced by T.
Molecular consequence: intron variant.
Genome position (GRCh38, 1-based): chr16:2,085,225, C>T. VCF-style: chr16-2085225-C-T. GRCh37 (hg19) VCF-style: chr16-2135226-C-T.
Other names: c.4501-5C>T (NM_001114382.3); c.4441-5C>T (NM_021055.3, NM_001370405.1); c.4372-5C>T (NM_001363528.2); c.4438-5C>T (NM_001370404.1); c.4369-5C>T (NM_001077183.3); c.4261-5C>T (NM_001318827.2); c.3838-5C>T (NM_001318831.2); c.4225-5C>T (NM_001318829.2); and 1 more.
Identifiers: ClinVar variation 1741573 (VCV001741573.10), dbSNP rs2151549469, ClinGen allele CA2580091031.

ClinVar aggregate classification (germline): Conflicting classifications of pathogenicity. Review status: criteria provided, conflicting classifications (1 of 4 stars). 4 submissions from 4 submitters: Uncertain significance (1); Likely benign (3). Last evaluated 2025-08-11.

Conditions:
Tuberous sclerosis 2 (TSC2). Identifiers: Orphanet 805, MedGen C1860707, MONDO:0013199, OMIM 613254.
Tuberous sclerosis syndrome (TSC). Also called: Tuberous Sclerosis Complex; Tuberous sclerosis. Identifiers: Orphanet 805, MedGen C0041341, MONDO:0001734.
Hereditary cancer-predisposing syndrome. Also called: Neoplastic Syndromes, Hereditary; Tumor predisposition; Hereditary Cancer Syndrome; Hereditary neoplastic syndrome. Identifiers: Orphanet 140162, MedGen C0027672, MeSH D009386, MONDO:0015356.

Allele frequency attached by ClinVar (database versions not stated): gnomAD exomes below 0.00001.
gnomAD v4.1: 1 of 1,612,628 alleles (0.000062%); highest among the groups gnomAD compares: Non-Finnish European, 0.000085%; no homozygotes.

Submissions (4):

Color Diagnostics, LLC DBA Color Health
Classification: Likely benign for Tuberous sclerosis syndrome. Last evaluated: 2025-08-11. Review status: criteria provided, single submitter. Criteria: ACMG Guidelines, 2015. Collection method: clinical testing. Allele origin: germline.

Myriad Genetics, Inc.
Classification: Likely benign for Tuberous sclerosis 2. Last evaluated: 2025-06-04. Review status: criteria provided, single submitter. Criteria: Myriad Autosomal Dominant, Autosomal Recessive and X-Linked Classification Criteria (2023). Collection method: clinical testing. Allele origin: unknown.
Comment: This variant is considered likely benign. This variant is intronic and is not expected to impact mRNA splicing.

Ambry Genetics
Classification: Uncertain significance for Hereditary cancer-predisposing syndrome. Last evaluated: 2023-09-11. Review status: criteria provided, single submitter. Criteria: Ambry Variant Classification Scheme 2023. Collection method: clinical testing. Allele origin: germline.
Comment: The c.4570-5C>T intronic variant results from a C to T substitution 5 nucleotides upstream from coding exon 35 in the TSC2 gene. This nucleotide position is well conserved in available vertebrate species. In silico splice site analysis predicts that this alteration will not have any significant effect on splicing. Since supporting evidence is limited at this time, the clinical significance of this alteration remains unclear.

Labcorp Genetics (formerly Invitae), Labcorp
Classification: Likely benign for Tuberous sclerosis 2. Last evaluated: 2023-01-19. Review status: criteria provided, single submitter. Criteria: Invitae Variant Classification Sherloc (09022015). Collection method: clinical testing. Allele origin: germline.